The following is an entry in ClinVar:

ClinVar aggregate classification (germline): Uncertain significance (1 of 4 stars; one submission).

Conditions:
Neurodevelopmental disorder with or without early-onset generalized epilepsy. Identifiers: MedGen C5436914, MONDO:0030930, OMIM 619157.

Allele frequency attached by ClinVar (database versions not stated): gnomAD exomes below 0.00001.
gnomAD v4.1: 1 of 1,612,618 alleles (0.000062%); highest among the groups gnomAD compares: Non-Finnish European, 0.000085%; no homozygotes.

Submission:

Victorian Clinical Genetics Services, Murdoch Childrens Research Institute
Classification: Uncertain significance for Neurodevelopmental disorder with or without early-onset generalized epilepsy. Last evaluated: 2023-07-17. Review status: criteria provided, single submitter. Criteria: ACMG Guidelines, 2015. Collection method: clinical testing. Allele origin: germline. Inheritance: Autosomal dominant inheritance. Affected: yes.
Comment: Based on the classification scheme VCGS_Germline_v1.3.4, this variant is classified as VUS-3B. Following criteria are met: 0102 - Loss of function is a known mechanism of disease in this gene and is associated with neurodevelopmental disorder with or without early-onset generalized epilepsy (MIM#619157). (I) 0107 - This gene is associated with autosomal dominant disease. (I) 0200 - Variant is predicted to result in a missense amino acid change from leucine to isoleucine. (I) 0251 - This variant is heterozygous. (I) 0301 - Variant is absent from gnomAD (both v2 and v3). (SP) 0502 - Missense variant with conflicting in silico predictions and uninformative conservation. (I) 0600 - Variant is located in the annotated neurobeachin/BDCP, DUF4704 alpha solenoid region (DECIPHER). (I) 0705 - No comparable missense variants have previous evidence for pathogenicity. (I) 0807 - This variant has no previous evidence of pathogenicity. (I) 0905 - No published segregation evidence has been identified for this variant. (I) 1007 - No published functional evidence has been identified for this variant. (I) 1208 - Inheritance information for this variant is not currently available in this individual. (I) Legend: (SP) - Supporting pathogenic, (I) - Information, (SB) - Supporting benign

NM_001385012.1(NBEA):c.1750T>A (p.Leu584Ile)

Gene: NBEA (neurobeachin; plus strand). Cytogenetic location: 13q13.3.
Variant type: single nucleotide variant.
Coding change: c.1750T>A on transcript NM_001385012.1 (MANE Select); coding-DNA position 1750, T replaced by A.
Protein change: p.Leu584Ile; replaces leucine 584 with isoleucine.
Molecular consequence: missense variant.
Genome position (GRCh38, 1-based): chr13:35,109,359, T>A. VCF-style: chr13-35109359-T-A. GRCh37 (hg19) VCF-style: chr13-35683496-T-A.
Other names: c.1750T>A, p.Leu584Ile (NM_001379245.1, NM_015678.5); short protein forms L584I.
Identifiers: ClinVar variation 3254822 (VCV003254822.1), dbSNP rs2503042303.